The following is an entry in ClinVar:

ClinVar aggregate classification (germline): Uncertain significance. Review status: criteria provided, multiple submitters, no conflicts (2 of 4 stars). 2 submissions from 2 submitters: Uncertain significance (2). Last evaluated 2025-03-13.

Submissions (2):

Dasa
Classification: Uncertain significance. Last evaluated: 2025-03-13. Review status: criteria provided, single submitter. Criteria: DASA Assertion Criteria. Collection method: clinical testing. Allele origin: germline.
Comment: NM_006035.4(CDC42BPB):c.1568A>G (p.Asp523Gly) is a missense variant that results in the substitution of aspartic acid with glycine. This variant is absent from population databases. Computational prediction algorithms are consistent with a benign effect. The currently available literature and clinical evidence are not sufficient to establish a definitive association between this variant and the reported condition. Therefore, this variant is classified as a variant of uncertain significance.

GeneDx
Classification: Uncertain significance. Last evaluated: 2024-06-13. Review status: criteria provided, single submitter. Criteria: GeneDx Variant Classification Process June 2021. Collection method: clinical testing. Allele origin: germline. Affected: yes.
Comment: Not observed at significant frequency in large population cohorts (gnomAD); In silico analysis indicates that this missense variant does not alter protein structure/function; Has not been previously published as pathogenic or benign to our knowledge

NM_006035.4(CDC42BPB):c.1568A>G (p.Asp523Gly)

Gene: CDC42BPB (CDC42 binding protein kinase beta; minus strand). Cytogenetic location: 14q32.32.
Variant type: single nucleotide variant.
Coding change: c.1568A>G on transcript NM_006035.4 (MANE Select); coding-DNA position 1568, A replaced by G.
Protein change: p.Asp523Gly; replaces aspartic acid 523 with glycine.
Molecular consequence: missense variant.
Genome position (GRCh38, 1-based): chr14:102,974,089, T>C on the plus strand (A>G on the coding strand, the complement: CDC42BPB is on the minus strand). VCF-style: chr14-102974089-T-C. GRCh37 (hg19) VCF-style: chr14-103440426-T-C.
Other names: c.1568A>G, p.Asp523Gly (NM_001411054.1); short protein forms D523G.
Identifiers: ClinVar variation 3390517 (VCV003390517.3).
Genomic context (GRCh38, chr14:102,974,089, plus strand): 5'-TCCTTCTCCTGCCGGACCACGCGGTGCTGCTTCTCCAGCCCCCGCAGCCGCTGCGTGGAG[T>C]CCTCACGCTCTTGGCGAAGCGCCACTGTGTCCTCAAGCTGTCGCTCGAGCCTGTTTGAAT-3'
Protein context (NP_006026.3, residues 513-533): DTVALRQERE[Asp523Gly]STQRLRGLEK